The following is an entry in ClinVar:

NM_017763.6(RNF43):c.507T>G (p.Ala169=)

Gene: RNF43 (ring finger protein 43; minus strand). Cytogenetic location: 17q22.
Variant type: single nucleotide variant.
Coding change: c.507T>G on transcript NM_017763.6 (MANE Select); coding-DNA position 507, T replaced by G.
Protein change: p.Ala169=; no amino-acid change (alanine 169 retained).
Molecular consequence: synonymous variant.
Genome position (GRCh38, 1-based): chr17:58,363,350, A>C on the plus strand (T>G on the coding strand, the complement: RNF43 is on the minus strand). VCF-style: chr17-58363350-A-C. GRCh37 (hg19) VCF-style: chr17-56440711-A-C.
Other names: c.126T>G, p.Ala42= (NM_001305545.2, NM_001437987.1); c.507T>G, p.Ala169= (NM_001438820.1, NM_001438821.1, NM_001438822.1 and 1 more transcripts).
Identifiers: ClinVar variation 4155758 (VCV004155758.2).

ClinVar aggregate classification (germline): Benign/Likely benign. Review status: criteria provided, multiple submitters, no conflicts (2 of 4 stars). 2 submissions from 2 submitters: Benign (1); Likely benign (1). Last evaluated 2026-06-30.

Conditions:
Sessile serrated polyposis cancer syndrome (SSPCS). Identifiers: Orphanet 157798, MedGen C4310714, MONDO:0014919, OMIM 617108.

Submissions (2):

Myriad Genetics, Inc.
Classification: Benign for Sessile serrated polyposis cancer syndrome. Last evaluated: 2026-06-30. Review status: criteria provided, single submitter. Criteria: Myriad Autosomal Dominant, Autosomal Recessive and X-Linked Classification Criteria (2023). Collection method: clinical testing. Allele origin: unknown.
Comment: This variant is considered benign. This variant is a silent/synonymous amino acid change and it is not expected to impact splicing.

Ambry Genetics
Classification: Likely benign. Last evaluated: 2025-07-22. Review status: criteria provided, single submitter. Criteria: Ambry Variant Classification Scheme 2023. Collection method: clinical testing. Allele origin: germline.